The following is an entry in ClinVar:

ClinVar aggregate classification (germline): Uncertain significance (1 of 4 stars; one submission).

gnomAD v4.1: 1 of 1,526,028 alleles (0.000066%); highest among the groups gnomAD compares: South Asian, 0.0012%; no homozygotes.

Submission:

Ambry Genetics
Classification: Uncertain significance. Last evaluated: 2025-12-05. Review status: criteria provided, single submitter. Criteria: Ambry Variant Classification Scheme 2023. Collection method: clinical testing. Allele origin: germline.
Comment: The p.T131S variant (also known as c.391A>T), located in coding exon 1 of the PALLD gene, results from an A to T substitution at nucleotide position 391. The threonine at codon 131 is replaced by serine, an amino acid with similar properties. This amino acid position is conserved. In addition, this alteration is predicted to be tolerated by in silico analysis. Based on the available evidence, the clinical significance of this variant remains unclear.

NM_001166108.2(PALLD):c.1965-12640A>T

Gene: PALLD (palladin, cytoskeletal associated protein; plus strand). Cytogenetic location: 4q32.3.
Variant type: single nucleotide variant.
Coding change: c.1965-12640A>T on transcript NM_001166108.2 (MANE Select); 12640 bases into the intron before coding-DNA position 1965, A replaced by T.
Molecular consequence: intron variant. On other transcripts: missense variant (1).
Genome position (GRCh38, 1-based): chr4:168,878,282, A>T. VCF-style: chr4-168878282-A-T. GRCh37 (hg19) VCF-style: chr4-169799433-A-T.
Other names: c.391A>T, p.Thr131Ser (NM_001166110.2); c.1965-12640A>T (NM_016081.4); c.819-12640A>T (NM_001166109.2); c.-157-12640A>T (NM_001367570.1, NM_001367568.1, NM_001367567.1 and 1 more transcripts); short protein forms T131S.
Identifiers: ClinVar variation 4564200 (VCV004564200.1).